The following is an entry in ClinVar:

ClinVar aggregate classification (germline): Uncertain significance (1 of 4 stars; one submission).

Conditions:
Inborn genetic diseases. Identifiers: MedGen C0950123, MeSH D030342.

gnomAD v4.1: 1 of 1,614,076 alleles (0.000062%); highest among the groups gnomAD compares: Non-Finnish European, 0.000085%; no homozygotes.

Submission:

Ambry Genetics
Classification: Uncertain significance for Inborn genetic diseases. Last evaluated: 2022-02-11. Review status: criteria provided, single submitter. Criteria: Ambry Variant Classification Scheme 2023. Collection method: clinical testing. Allele origin: germline.
Comment: The p.S9A variant (also known as c.25T>G), located in coding exon 1 of the CAV1 gene, results from a T to G substitution at nucleotide position 25. The serine at codon 9 is replaced by alanine, an amino acid with similar properties. This amino acid position is conserved. In addition, this alteration is predicted to be tolerated by in silico analysis. Since supporting evidence is limited at this time, the clinical significance of this alteration remains unclear.

NM_001753.5(CAV1):c.25T>G (p.Ser9Ala)

Gene: CAV1 (caveolin 1; plus strand). Cytogenetic location: 7q31.2.
Variant type: single nucleotide variant.
Coding change: c.25T>G on transcript NM_001753.5 (MANE Select); coding-DNA position 25, T replaced by G.
Protein change: p.Ser9Ala; replaces serine 9 with alanine.
Molecular consequence: missense variant. On other transcripts: 5 prime UTR variant (1).
Genome position (GRCh38, 1-based): chr7:116,525,087, T>G. VCF-style: chr7-116525087-T-G. GRCh37 (hg19) VCF-style: chr7-116165141-T-G.
Other names: c.-782T>G (NM_001172895.1); short protein forms S9A.
Identifiers: ClinVar variation 1793661 (VCV001793661.2), dbSNP rs2485154588, ClinGen allele CA369116546.